The following continues an entry in ClinVar:

NM_000135.4(FANCA):c.2151G>T (p.Met717Ile)

Gene: FANCA. ClinVar aggregate classification (germline): Benign/Likely benign. Benign (8); Likely benign (5).

Submissions 32 to 68 of 79:

Dr. Peter K. Rogan Lab, Western University
No classification provided (evidence only). Condition: Acute myeloid leukemia. Review status: no classification provided. Collection method: in vitro. Allele origin: not applicable. Functional consequence: retained intron. Not counted in ClinVar's aggregate classification.

Dr. Peter K. Rogan Lab, Western University
No classification provided (evidence only). Condition: Acute myeloid leukemia. Review status: no classification provided. Collection method: in vitro. Allele origin: not applicable. Functional consequence: retained intron. Not counted in ClinVar's aggregate classification.

Dr. Peter K. Rogan Lab, Western University
No classification provided (evidence only). Condition: Acute myeloid leukemia. Review status: no classification provided. Collection method: in vitro. Allele origin: not applicable. Functional consequence: retained intron. Not counted in ClinVar's aggregate classification.

Dr. Peter K. Rogan Lab, Western University
No classification provided (evidence only). Condition: Acute myeloid leukemia. Review status: no classification provided. Collection method: in vitro. Allele origin: not applicable. Functional consequence: retained intron. Not counted in ClinVar's aggregate classification.

Dr. Peter K. Rogan Lab, Western University
No classification provided (evidence only). Condition: Colon adenocarcinoma. Review status: no classification provided. Collection method: in vitro. Allele origin: not applicable. Functional consequence: retained intron. Not counted in ClinVar's aggregate classification.

Dr. Peter K. Rogan Lab, Western University
No classification provided (evidence only). Condition: Colon adenocarcinoma. Review status: no classification provided. Collection method: in vitro. Allele origin: not applicable. Functional consequence: retained intron. Not counted in ClinVar's aggregate classification.

Dr. Peter K. Rogan Lab, Western University
No classification provided (evidence only). Condition: Colon adenocarcinoma. Review status: no classification provided. Collection method: in vitro. Allele origin: not applicable. Functional consequence: retained intron. Not counted in ClinVar's aggregate classification.

Dr. Peter K. Rogan Lab, Western University
No classification provided (evidence only). Condition: Colon adenocarcinoma. Review status: no classification provided. Collection method: in vitro. Allele origin: not applicable. Functional consequence: retained intron. Not counted in ClinVar's aggregate classification.

Dr. Peter K. Rogan Lab, Western University
No classification provided (evidence only). Condition: Colon adenocarcinoma. Review status: no classification provided. Collection method: in vitro. Allele origin: not applicable. Functional consequence: retained intron. Not counted in ClinVar's aggregate classification.

Dr. Peter K. Rogan Lab, Western University
No classification provided (evidence only). Condition: Colon adenocarcinoma. Review status: no classification provided. Collection method: in vitro. Allele origin: not applicable. Functional consequence: retained intron. Not counted in ClinVar's aggregate classification.

Dr. Peter K. Rogan Lab, Western University
No classification provided (evidence only). Condition: Uterine corpus endometrial carcinoma. Review status: no classification provided. Collection method: in vitro. Allele origin: not applicable. Functional consequence: retained intron. Not counted in ClinVar's aggregate classification.

Dr. Peter K. Rogan Lab, Western University
No classification provided (evidence only). Condition: Uterine corpus endometrial carcinoma. Review status: no classification provided. Collection method: in vitro. Allele origin: not applicable. Functional consequence: retained intron. Not counted in ClinVar's aggregate classification.

Dr. Peter K. Rogan Lab, Western University
No classification provided (evidence only). Condition: Uterine corpus endometrial carcinoma. Review status: no classification provided. Collection method: in vitro. Allele origin: not applicable. Functional consequence: retained intron. Not counted in ClinVar's aggregate classification.

Dr. Peter K. Rogan Lab, Western University
No classification provided (evidence only). Condition: Uterine corpus endometrial carcinoma. Review status: no classification provided. Collection method: in vitro. Allele origin: not applicable. Functional consequence: retained intron. Not counted in ClinVar's aggregate classification.

Dr. Peter K. Rogan Lab, Western University
No classification provided (evidence only). Condition: Uterine corpus endometrial carcinoma. Review status: no classification provided. Collection method: in vitro. Allele origin: not applicable. Functional consequence: retained intron. Not counted in ClinVar's aggregate classification.

Dr. Peter K. Rogan Lab, Western University
No classification provided (evidence only). Condition: Uterine corpus endometrial carcinoma. Review status: no classification provided. Collection method: in vitro. Allele origin: not applicable. Functional consequence: retained intron. Not counted in ClinVar's aggregate classification.

Dr. Peter K. Rogan Lab, Western University
No classification provided (evidence only). Condition: Uterine corpus endometrial carcinoma. Review status: no classification provided. Collection method: in vitro. Allele origin: not applicable. Functional consequence: retained intron. Not counted in ClinVar's aggregate classification.

Dr. Peter K. Rogan Lab, Western University
No classification provided (evidence only). Condition: Cervical cancer. Review status: no classification provided. Collection method: in vitro. Allele origin: not applicable. Functional consequence: retained intron. Not counted in ClinVar's aggregate classification.

Dr. Peter K. Rogan Lab, Western University
No classification provided (evidence only). Condition: Cervical cancer. Review status: no classification provided. Collection method: in vitro. Allele origin: not applicable. Functional consequence: retained intron. Not counted in ClinVar's aggregate classification.

Dr. Peter K. Rogan Lab, Western University
No classification provided (evidence only). Condition: Cervical cancer. Review status: no classification provided. Collection method: in vitro. Allele origin: not applicable. Functional consequence: retained intron. Not counted in ClinVar's aggregate classification.

Dr. Peter K. Rogan Lab, Western University
No classification provided (evidence only). Condition: Cervical cancer. Review status: no classification provided. Collection method: in vitro. Allele origin: not applicable. Functional consequence: retained intron. Not counted in ClinVar's aggregate classification.

Dr. Peter K. Rogan Lab, Western University
No classification provided (evidence only). Condition: Cervical cancer. Review status: no classification provided. Collection method: in vitro. Allele origin: not applicable. Functional consequence: retained intron. Not counted in ClinVar's aggregate classification.

Dr. Peter K. Rogan Lab, Western University
No classification provided (evidence only). Condition: Cervical cancer. Review status: no classification provided. Collection method: in vitro. Allele origin: not applicable. Functional consequence: retained intron. Not counted in ClinVar's aggregate classification.

Dr. Peter K. Rogan Lab, Western University
No classification provided (evidence only). Condition: Cervical cancer. Review status: no classification provided. Collection method: in vitro. Allele origin: not applicable. Functional consequence: retained intron. Not counted in ClinVar's aggregate classification.

Dr. Peter K. Rogan Lab, Western University
No classification provided (evidence only). Condition: Cervical cancer. Review status: no classification provided. Collection method: in vitro. Allele origin: not applicable. Functional consequence: retained intron. Not counted in ClinVar's aggregate classification.

Dr. Peter K. Rogan Lab, Western University
No classification provided (evidence only). Condition: Cervical cancer. Review status: no classification provided. Collection method: in vitro. Allele origin: not applicable. Functional consequence: retained intron. Not counted in ClinVar's aggregate classification.

Dr. Peter K. Rogan Lab, Western University
No classification provided (evidence only). Condition: Sarcoma. Review status: no classification provided. Collection method: in vitro. Allele origin: not applicable. Functional consequence: retained intron. Not counted in ClinVar's aggregate classification.

Dr. Peter K. Rogan Lab, Western University
No classification provided (evidence only). Condition: Sarcoma. Review status: no classification provided. Collection method: in vitro. Allele origin: not applicable. Functional consequence: retained intron. Not counted in ClinVar's aggregate classification.

Dr. Peter K. Rogan Lab, Western University
No classification provided (evidence only). Condition: Sarcoma. Review status: no classification provided. Collection method: in vitro. Allele origin: not applicable. Functional consequence: retained intron. Not counted in ClinVar's aggregate classification.

Dr. Peter K. Rogan Lab, Western University
No classification provided (evidence only). Condition: Sarcoma. Review status: no classification provided. Collection method: in vitro. Allele origin: not applicable. Functional consequence: retained intron. Not counted in ClinVar's aggregate classification.

Dr. Peter K. Rogan Lab, Western University
No classification provided (evidence only). Condition: Sarcoma. Review status: no classification provided. Collection method: in vitro. Allele origin: not applicable. Functional consequence: retained intron. Not counted in ClinVar's aggregate classification.

Dr. Peter K. Rogan Lab, Western University
No classification provided (evidence only). Condition: Sarcoma. Review status: no classification provided. Collection method: in vitro. Allele origin: not applicable. Functional consequence: retained intron. Not counted in ClinVar's aggregate classification.

Dr. Peter K. Rogan Lab, Western University
No classification provided (evidence only). Condition: Sarcoma. Review status: no classification provided. Collection method: in vitro. Allele origin: not applicable. Functional consequence: retained intron. Not counted in ClinVar's aggregate classification.

Dr. Peter K. Rogan Lab, Western University
No classification provided (evidence only). Condition: Hepatocellular carcinoma. Review status: no classification provided. Collection method: in vitro. Allele origin: not applicable. Functional consequence: retained intron. Not counted in ClinVar's aggregate classification.

Dr. Peter K. Rogan Lab, Western University
No classification provided (evidence only). Condition: Hepatocellular carcinoma. Review status: no classification provided. Collection method: in vitro. Allele origin: not applicable. Functional consequence: retained intron. Not counted in ClinVar's aggregate classification.

Dr. Peter K. Rogan Lab, Western University
No classification provided (evidence only). Condition: Thymoma. Review status: no classification provided. Collection method: in vitro. Allele origin: not applicable. Functional consequence: retained intron. Not counted in ClinVar's aggregate classification.

Dr. Peter K. Rogan Lab, Western University
No classification provided (evidence only). Condition: Thymoma. Review status: no classification provided. Collection method: in vitro. Allele origin: not applicable. Functional consequence: retained intron. Not counted in ClinVar's aggregate classification.